The following is an entry in ClinVar:

ClinVar aggregate classification (germline): Likely benign. Review status: reviewed by expert panel (3 of 4 stars). 2 submissions from 2 submitters: Likely benign (1). 1 of the submissions does not count toward it. Last evaluated 2026-11-20.

Conditions:
Primary ciliary dyskinesia. Also called: Ciliary dyskinesia. Identifiers: Orphanet 244, MedGen C0008780, MONDO:0016575, HP:0012265.
RPGR-related retinopathy. Also called: RPGR retinopathy. Identifiers: MedGen CN305589, MONDO:0100437.

Submissions (2):

ClinGen X-linked Inherited Retinal Disease Variant Curation Expert Panel, ClinGen
Classification: Likely benign for RPGR-related retinopathy. Last evaluated: 2026-11-20. Review status: reviewed by expert panel. Criteria: ClinGen X LinkedIRD ACMG Specifications RPGR V1.0.0. Collection method: curation. Allele origin: germline. Inheritance: X-linked inheritance.
Comment: The NM_001034853.2(RPGR):c.264A>G (p.Lys88=) is a synonymous variant at amino acid 88. This variant is present in gnomAD v.4.1.2 at a frequency of 0.000002589 among hemizygous individuals, with 1 variant allele / 386275 total hemizygous alleles, which is between the ClinGen X-linked IRD VCEP PM2_Supporting and BS1 threshold of 0.0000005 to 0.000005 and fails to meet these criteria. The splicing impact predictor SpliceAI gives a delta score of 0.00, which is below the ClinGen X-linked IRD VCEP recommended threshold of <0.1 and does not strongly predict an impact on splicing (BP4). This silent variant NM_001034853.2(RPGR):c.264A>G, causing a synonymous variant at codon 88 does not have an impact on splicing sites according to Splice AI, which predicts a delta score of 0.00 for all splicing types, which is below the ClinGen X-linked IRD VCEP recommended threshold of <0.1 and does not strongly predict an impact on splicing (BP7). In summary, this variant is classified as Likely Benign for RPGR-related retinopathy based on the ClinGen X-linked Inherited Retinal Disease Expert Panel Specifications to the ACMG/AMP Variant Interpretation Guidelines for RPGR, Version 1.0.0, using the following evidence codes: BP4 and BP7.

Labcorp Genetics (formerly Invitae), Labcorp
Classification: Likely benign for Primary ciliary dyskinesia. Last evaluated: 2022-09-27. Review status: criteria provided, single submitter. Criteria: Invitae Variant Classification Sherloc (09022015). Collection method: clinical testing. Allele origin: germline. Not counted in ClinVar's aggregate classification.

NM_001034853.2(RPGR):c.264A>G (p.Lys88=)

Gene: RPGR (retinitis pigmentosa GTPase regulator; minus strand). Cytogenetic location: Xp11.4.
Variant type: single nucleotide variant.
Coding change: c.264A>G on transcript NM_001034853.2 (MANE Select); coding-DNA position 264, A replaced by G.
Protein change: p.Lys88=; no amino-acid change (lysine 88 retained).
Molecular consequence: synonymous variant. On other transcripts: non-coding transcript variant (6).
Genome position (GRCh38, 1-based): chrX:38,321,073, T>C on the plus strand (A>G on the coding strand, the complement: RPGR is on the minus strand). VCF-style: chrX-38321073-T-C. GRCh37 (hg19) VCF-style: chrX-38180326-T-C.
Other names: NM_001034853.2(RPGR):c.264A>G; p.Lys88=; c.264A>G, p.Lys88= (NM_000328.3, NM_001367245.1, NM_001367246.1 and 4 more transcripts); c.294A>G, p.Lys98= (NM_001367248.1).
Identifiers: ClinVar variation 2067374 (VCV002067374.5), dbSNP rs2519902386, ClinGen allele CA515651900.